The following is an entry in ClinVar:

ClinVar aggregate classification (germline): Uncertain significance (1 of 4 stars; one submission).

Conditions:
Inborn genetic diseases. Identifiers: MedGen C0950123, MeSH D030342.

Submission:

Ambry Genetics
Classification: Uncertain significance for Inborn genetic diseases. Last evaluated: 2025-10-15. Review status: criteria provided, single submitter. Criteria: Ambry Variant Classification Scheme 2023. Collection method: clinical testing. Allele origin: germline.
Comment: The p.C623Y variant (also known as c.1868G>A), located in coding exon 13 of the ERCC6L2 gene, results from a G to A substitution at nucleotide position 1868. The cysteine at codon 623 is replaced by tyrosine, an amino acid with highly dissimilar properties. This amino acid position is conserved. In addition, this alteration is predicted to be tolerated by in silico analysis. Based on the available evidence, the clinical significance of this variant remains unclear.

NM_020207.7(ERCC6L2):c.1868G>A (p.Cys623Tyr)

Gene: ERCC6L2 (ERCC excision repair 6 like 2; plus strand). Cytogenetic location: 9q22.32.
Variant type: single nucleotide variant.
Coding change: c.1868G>A on transcript NM_020207.7 (MANE Select); coding-DNA position 1868, G replaced by A.
Protein change: p.Cys623Tyr; replaces cysteine 623 with tyrosine.
Molecular consequence: missense variant. On other transcripts: non-coding transcript variant (1).
Genome position (GRCh38, 1-based): chr9:95,955,934, G>A. VCF-style: chr9-95955934-G-A. GRCh37 (hg19) VCF-style: chr9-98718216-G-A.
Other names: c.1868G>A, p.Cys623Tyr (NM_001010895.4, NM_001375291.1, NM_001375292.1 and 2 more transcripts); short protein forms C623Y.
Identifiers: ClinVar variation 4618729 (VCV004618729.1).
Genomic context (GRCh38, chr9:95,955,934, plus strand): 5'-CTTCACTTGATTTTTGTTTGTATTTTTAATCCTTTTACAGAGCATATAGGATTGGACAAT[G>A]TAGAGATGTCAAAGTGCTTAGGCTGATATCCTTGGGAACTGTGGAGGAAATCATGTATTT-3'
Protein context (NP_064592.3, residues 613-633): AIDRAYRIGQ[Cys623Tyr]RDVKVLRLIS